The following is an entry in ClinVar:

ClinVar aggregate classification (germline): Uncertain significance (1 of 4 stars; one submission).

Conditions:
Emery-Dreifuss muscular dystrophy (EDMD). Also called: Scapuloperoneal syndrome, X-linked (formerly); Humeroperoneal neuromuscular disease, (formerly). Identifiers: Orphanet 261, MedGen C0410189, MONDO:0016830.

Allele frequency attached by ClinVar (database versions not stated): 1000 Genomes Project 30x 0.00031; 1000 Genomes Project 0.00040; ExAC 0.00053; ESP Exome Variant Server 0.00069; gnomAD exomes 0.00076; gnomAD 0.00087 and 0.00088; TOPMed 0.00091.
gnomAD v4.1: 2,308 of 1,613,924 alleles (0.14%); highest among the groups gnomAD compares: Non-Finnish European, 0.18%; 3 homozygotes.

Submissions (3):

Labcorp Genetics (formerly Invitae), Labcorp
Classification: Uncertain significance for Emery-Dreifuss muscular dystrophy. Last evaluated: 2026-02-01. Review status: criteria provided, single submitter. Criteria: Invitae Variant Classification Sherloc (09022015). Collection method: clinical testing. Allele origin: germline.
Comment: This sequence change falls in intron 4 of the SUN2 gene. It does not directly change the encoded amino acid sequence of the SUN2 protein. It affects a nucleotide within the consensus splice site. This variant is present in population databases (rs199843484, gnomAD 0.1%), and has an allele count higher than expected for a pathogenic variant. This variant has not been reported in the literature in individuals affected with SUN2-related conditions. ClinVar contains an entry for this variant (Variation ID: 573160). Variants that disrupt the consensus splice site are a relatively common cause of aberrant splicing (PMID: 17576681, 9536098). Algorithms developed to predict the effect of sequence changes on RNA splicing suggest that this variant is not likely to affect RNA splicing. In summary, the available evidence is currently insufficient to determine the role of this variant in disease. Therefore, it has been classified as a Variant of Uncertain Significance.

Dr. Peter K. Rogan Lab, Western University
No classification provided (evidence only). Condition: Acute myeloid leukemia. Review status: no classification provided. Collection method: in vitro. Allele origin: not applicable. Functional consequence: retained intron. Not counted in ClinVar's aggregate classification.

Dr. Peter K. Rogan Lab, Western University
No classification provided (evidence only). Condition: Ovarian serous cystadenocarcinoma. Review status: no classification provided. Collection method: in vitro. Allele origin: not applicable. Functional consequence: retained intron. Not counted in ClinVar's aggregate classification.

Literature cited by the submitters: PubMed 17576681 (cited by Labcorp Genetics (formerly Invitae), Labcorp); PubMed 9536098 (cited by Labcorp Genetics (formerly Invitae), Labcorp).

NM_015374.3(SUN2):c.424+6C>T

Gene: SUN2 (Sad1 and UNC84 domain containing 2; minus strand). Cytogenetic location: 22q13.1.
Variant type: single nucleotide variant.
Coding change: c.424+6C>T on transcript NM_015374.3 (MANE Select); 6 bases into the intron after coding-DNA position 424, C replaced by T.
Molecular consequence: intron variant.
Genome position (GRCh38, 1-based): chr22:38,750,892, G>A on the plus strand (C>T on the coding strand, the complement: SUN2 is on the minus strand). VCF-style: chr22-38750892-G-A. GRCh37 (hg19) VCF-style: chr22-39146897-G-A.
Other names: c.424+6C>T (NM_001199579.2, NM_001199580.2).
Identifiers: ClinVar variation 573160 (VCV000573160.11), dbSNP rs199843484, ClinGen allele CA10235964.